The following is an entry in ClinVar:

ClinVar aggregate classification (germline): Uncertain significance. Review status: criteria provided, multiple submitters, no conflicts (2 of 4 stars). 2 submissions from 2 submitters: Uncertain significance (2). Last evaluated 2022-07-05.

Conditions:
Progressive sclerosing poliodystrophy (MTDPS4A). Also called: NEURONAL DEGENERATION OF CHILDHOOD WITH LIVER DISEASE, PROGRESSIVE; ALPERS PROGRESSIVE INFANTILE POLIODYSTROPHY; Alpers-Huttenlocher Syndrome (AHS); Mitochondrial DNA depletion syndrome 4A (Alpers type); Mitochondrial DNA Depletion Syndrome 4A; Alpers Syndrome. Identifiers: Orphanet 726, MedGen C0205710, MONDO:0008758, OMIM 203700.

Allele frequency attached by ClinVar (database versions not stated): TOPMed below 0.00001; ExAC 0.00001; gnomAD 0.00001.
gnomAD v4.1: 3 of 1,614,088 alleles (0.00019%); highest among the groups gnomAD compares: Admixed American, 0.0017%; no homozygotes.

Submissions (2):

Labcorp Genetics (formerly Invitae), Labcorp
Classification: Uncertain significance for Progressive sclerosing poliodystrophy. Last evaluated: 2022-07-05. Review status: criteria provided, single submitter. Criteria: Invitae Variant Classification Sherloc (09022015). Collection method: clinical testing. Allele origin: germline.
Comment: This sequence change replaces glycine, which is neutral and non-polar, with valine, which is neutral and non-polar, at codon 450 of the POLG protein (p.Gly450Val). This variant is present in population databases (rs757804090, gnomAD 0.003%). This variant has not been reported in the literature in individuals affected with POLG-related conditions. ClinVar contains an entry for this variant (Variation ID: 452164). Algorithms developed to predict the effect of missense changes on protein structure and function (SIFT, PolyPhen-2, Align-GVGD) all suggest that this variant is likely to be tolerated. Algorithms developed to predict the effect of sequence changes on RNA splicing suggest that this variant may create or strengthen a splice site. In summary, the available evidence is currently insufficient to determine the role of this variant in disease. Therefore, it has been classified as a Variant of Uncertain Significance.

GeneDx
Classification: Uncertain significance. Last evaluated: 2017-09-22. Review status: criteria provided, single submitter. Criteria: GeneDx Variant Classification (06012015). Collection method: clinical testing. Allele origin: germline. Affected: yes.
Comment: The G450V variant has not been published as a pathogenic variant, nor has it been reported as a benign variant to our knowledge.This variant is not observed at a significant frequency in large population cohorts (Lek et al., 2016). The G450V variant is a conservative amino acid substitution, which is not likely to impact secondary protein structure as these residues share similar properties. This substitution occurs at a position that is not conserved. In silico analysis is inconsistent in its predictions as to whether or not the variant isdamaging to the protein structure/function. Therefore, based on the currently available information, it is unclear whether this variant is a pathogenic variant or a rare benign variant.

NM_002693.3(POLG):c.1349G>T (p.Gly450Val)

Gene: POLG (DNA polymerase gamma, catalytic subunit; minus strand). Cytogenetic location: 15q26.1.
Variant type: single nucleotide variant.
Coding change: c.1349G>T on transcript NM_002693.3 (MANE Select); coding-DNA position 1349, G replaced by T.
Protein change: p.Gly450Val; replaces glycine 450 with valine.
Molecular consequence: missense variant.
Genome position (GRCh38, 1-based): chr15:89,327,251, C>A on the plus strand (G>T on the coding strand, the complement: POLG is on the minus strand). VCF-style: chr15-89327251-C-A. GRCh37 (hg19) VCF-style: chr15-89870482-C-A.
Other names: c.1349G>T, p.Gly450Val (NM_001126131.2); short protein forms G450V.
Identifiers: ClinVar variation 452164 (VCV000452164.9), dbSNP rs757804090, ClinGen allele CA7724875.